The following is an entry in ClinVar:

ClinVar aggregate classification (germline): Uncertain significance (1 of 4 stars; one submission).

Conditions:
Hereditary cancer-predisposing syndrome. Also called: Tumor predisposition; Hereditary neoplastic syndrome; Hereditary Cancer Syndrome; Neoplastic Syndromes, Hereditary. Identifiers: Orphanet 140162, MedGen C0027672, MeSH D009386, MONDO:0015356.

Submission:

Ambry Genetics
Classification: Uncertain significance for Hereditary cancer-predisposing syndrome. Last evaluated: 2026-02-09. Review status: criteria provided, single submitter. Criteria: Ambry Variant Classification Scheme 2023. Collection method: clinical testing. Allele origin: germline.
Comment: The c.897-4A>G intronic variant results from an A to G substitution 4 nucleotides upstream from coding exon 8 in the NBN gene. This nucleotide position is not well conserved in available vertebrate species. In silico splice site analysis predicts that this alteration may weaken the native splice acceptor site and will result in the creation or strengthening of a novel splice acceptor site. Based on the available evidence, the clinical significance of this variant remains unclear.

NM_002485.5(NBN):c.897-4A>G

Gene: NBN (nibrin; minus strand). Cytogenetic location: 8q21.3.
Variant type: single nucleotide variant.
Coding change: c.897-4A>G on transcript NM_002485.5 (MANE Select); 4 bases into the intron before coding-DNA position 897, A replaced by G.
Molecular consequence: intron variant.
Genome position (GRCh38, 1-based): chr8:89,964,511, T>C on the plus strand (A>G on the coding strand, the complement: NBN is on the minus strand). VCF-style: chr8-89964511-T-C. GRCh37 (hg19) VCF-style: chr8-90976739-T-C.
Other names: c.651-4A>G (NM_001024688.3).
Identifiers: ClinVar variation 232435 (VCV000232435.6), dbSNP rs876659763, ClinGen allele CA10578786.
Genomic context (GRCh38, chr8:89,964,511, plus strand): 5'-GTCATGAAAATCACCGCCAATCCAATTTCTGCTTCAGGAATAGGTCTAAGACCTTGCCTA[T>C]TAGAATAAAATAGTTTAAGTATGATAATATATTAAAACTAGCAACTTTTATTCAGATAAT-3'